The following is an entry in ClinVar:

NM_001374828.1(ARID1B):c.417C>G (p.Gly139=)

Genes: ARID1B (AT-rich interaction domain 1B; plus strand), LOC115308161 (uncharacterized LOC115308161; minus strand), LOC129997524 (ATAC-STARR-seq lymphoblastoid silent region 17711; plus strand). Cytogenetic location: 6q25.3.
Variant type: single nucleotide variant.
Coding change: c.417C>G on transcript NM_001374828.1 (MANE Select); coding-DNA position 417, C replaced by G.
Protein change: p.Gly139=; no amino-acid change (glycine 139 retained).
Molecular consequence: synonymous variant.
Genome position (GRCh38, 1-based): chr6:156,778,097, C>G. VCF-style: chr6-156778097-C-G. GRCh37 (hg19) VCF-style: chr6-157099231-C-G.
Other names: c.168C>G (NM_020732.3); c.417C>G, p.Gly139= (NM_001371656.1, NM_001374820.1, NM_017519.3).
Identifiers: ClinVar variation 624273 (VCV000624273.56), dbSNP rs555625059, ClinGen allele CA150802697.
Genomic context (GRCh38, chr6:156,778,097, plus strand): 5'-CTCCTCCTCCTCCTCCGCGGCGGCAGCGGCGGCATCCTCTTCCTCCTCGTCGGGCCCGGG[C>G]TCGGCCATGGAGACGGGGCTGCTCCCCAACCACAAACTGAAAACCGTTGGCGAAGCCCCC-3'
Protein context (NP_001361757.1, residues 129-149): AASSSSSSGP[Gly139=]SAMETGLLPN

ClinVar aggregate classification (germline): Likely benign. Review status: criteria provided, multiple submitters, no conflicts (2 of 4 stars). 6 submissions from 6 submitters: Likely benign (6). Last evaluated 2025-07-15.

Conditions:
Coffin-Siris syndrome 1 (CSS1). Also called: Mental retardation, autosomal dominant 12; ARID1B-Related Coffin-Siris Syndrome. Identifiers: Orphanet 1465, MedGen C3281201, MONDO:0007617, OMIM 135900. Disease mechanism: gain of function.
Inborn genetic diseases. Identifiers: MedGen C0950123, MeSH D030342.

Allele frequency attached by ClinVar (database versions not stated): 1000 Genomes Project 30x 0.00016; TOPMed 0.00016; gnomAD exomes 0.00017; gnomAD 0.00012 and 0.00013; 1000 Genomes Project 0.00020.
gnomAD v4.1: 168 of 1,540,688 alleles (0.011%); highest among the groups gnomAD compares: Middle Eastern, 0.018%; no homozygotes.

Submissions (6):

Labcorp Genetics (formerly Invitae), Labcorp
Classification: Likely benign. Last evaluated: 2025-07-15. Review status: criteria provided, single submitter. Criteria: Invitae Variant Classification Sherloc (09022015). Collection method: clinical testing. Allele origin: germline.

CeGaT Center for Human Genetics Tuebingen
Classification: Likely benign. Last evaluated: 2025-04-01. Review status: criteria provided, single submitter. Criteria: CeGaT Center For Human Genetics Tuebingen Variant Classification Criteria Version 2. Collection method: clinical testing. Allele origin: germline. Affected: yes. Observed: 5 variant alleles.
Comment: ARID1B: BP4, BP7

Blueprint Genetics
Classification: Likely benign. Last evaluated: 2024-09-25. Review status: criteria provided, single submitter. Criteria: ACMG Guidelines, 2015. Collection method: clinical testing. Allele origin: germline.

Genome-Nilou Lab
Classification: Likely benign for Coffin-Siris syndrome 1. Last evaluated: 2021-07-15. Review status: criteria provided, single submitter. Criteria: ACMG Guidelines, 2015. Collection method: clinical testing. Allele origin: germline. Affected: no.

GeneDx
Classification: Likely benign. Last evaluated: 2021-05-28. Review status: criteria provided, single submitter. Criteria: GeneDx Variant Classification Process June 2021. Collection method: clinical testing. Allele origin: germline. Affected: yes.
Comment: This variant is associated with the following publications: (PMID: 22405089)

Ambry Genetics
Classification: Likely benign for Inborn genetic diseases. Last evaluated: 2019-02-04. Review status: criteria provided, single submitter. Criteria: Ambry Variant Classification Scheme 2023. Collection method: clinical testing. Allele origin: germline.